The following is an entry in ClinVar:

ClinVar aggregate classification (germline): Likely benign (1 of 4 stars; one submission).

Conditions:
Tuberous sclerosis 2 (TSC2). Identifiers: Orphanet 805, MedGen C1860707, MONDO:0013199, OMIM 613254.

Submission:

Myriad Genetics, Inc.
Classification: Likely benign for Tuberous sclerosis 2. Last evaluated: 2025-05-19. Review status: criteria provided, single submitter. Criteria: Myriad Autosomal Dominant, Autosomal Recessive and X-Linked Classification Criteria (2023). Collection method: clinical testing. Allele origin: unknown.
Comment: This variant is considered likely benign. This variant is intronic and is not expected to impact mRNA splicing.

NM_000548.5(TSC2):c.2098-20G>C

Gene: TSC2 (TSC complex subunit 2; plus strand). Cytogenetic location: 16p13.3.
Variant type: single nucleotide variant.
Coding change: c.2098-20G>C on transcript NM_000548.5 (MANE Select); 20 bases into the intron before coding-DNA position 2098, G replaced by C.
Molecular consequence: intron variant. On other transcripts: non-coding transcript variant (2).
Genome position (GRCh38, 1-based): chr16:2,072,221, G>C. VCF-style: chr16-2072221-G-C. GRCh37 (hg19) VCF-style: chr16-2122222-G-C.
Other names: c.754-20G>C (NM_001406693.1, NM_001406689.1, NM_001406690.1 and 6 more transcripts); c.2188-20G>C (NM_001406667.1, NM_001406668.1); c.1498-20G>C (NM_001406680.1, NM_001406683.1, NM_001406687.1 and 6 more transcripts); c.496-20G>C (NM_001406698.1); c.2098-20G>C (NM_001114382.3, NM_001406663.1, NM_001406664.1 and 6 more transcripts); c.2086-20G>C (NM_001406671.1, NM_001406673.1); c.1636-20G>C (NM_001406681.1); c.1987-20G>C (NM_001406670.1, NM_001318827.2, NM_001406678.1); and 3 more.
Identifiers: ClinVar variation 4071209 (VCV004071209.1).